The following is an entry in ClinVar:

ClinVar aggregate classification (germline): Pathogenic/Likely pathogenic. Review status: criteria provided, multiple submitters, no conflicts (2 of 4 stars). 2 submissions from 2 submitters: Pathogenic (1); Likely pathogenic (1). Last evaluated 2024-03-16.

Conditions:
Deficiency of iodide peroxidase (TDH2A). Also called: HYPOTHYROIDISM, CONGENITAL, DUE TO DYSHORMONOGENESIS, 2A; IODIDE PEROXIDASE DEFICIENCY; THYROID HORMONOGENESIS, GENETIC DEFECT IN, 2A; THYROID PEROXIDASE DEFICIENCY; Thyroid dyshormonogenesis 2A. Identifiers: Orphanet 95716, MedGen C1291299, MONDO:0010133, OMIM 274500.

Submissions (2):

Fulgent Genetics
Classification: Likely pathogenic for Deficiency of iodide peroxidase. Last evaluated: 2024-03-16. Review status: criteria provided, single submitter. Criteria: ACMG Guidelines, 2015. Collection method: clinical testing. Allele origin: germline.

Labcorp Genetics (formerly Invitae), Labcorp
Classification: Pathogenic. Last evaluated: 2024-01-29. Review status: criteria provided, single submitter. Criteria: Invitae Variant Classification Sherloc (09022015). Collection method: clinical testing. Allele origin: germline.
Comment: This sequence change creates a premature translational stop signal (p.Tyr772Serfs*20) in the TPO gene. It is expected to result in an absent or disrupted protein product. Loss-of-function variants in TPO are known to be pathogenic (PMID: 11061528, 23236987, 25564141). This variant is not present in population databases (gnomAD no frequency). This variant has not been reported in the literature in individuals affected with TPO-related conditions. For these reasons, this variant has been classified as Pathogenic.

Literature cited by the submitters: PubMed 11061528 (cited by Labcorp Genetics (formerly Invitae), Labcorp); PubMed 23236987 (cited by Labcorp Genetics (formerly Invitae), Labcorp); PubMed 25564141 (cited by Labcorp Genetics (formerly Invitae), Labcorp).

NM_001206744.2(TPO):c.2314_2332del (p.Tyr772fs)

Genes: LALTOP (lung cancer associated lncRNA targeting TOP2A; minus strand), TPO (thyroid peroxidase; plus strand). Cytogenetic location: 2p25.3.
Variant type: Deletion.
Coding change: c.2314_2332del on transcript NM_001206744.2 (MANE Select); coding-DNA positions 2314 to 2332, 19 bases deleted (TATGAGCTCCAAGGCCGGG).
Protein change: p.Tyr772fs; shifts the reading frame from tyrosine 772.
Molecular consequence: frameshift variant.
Genome position (GRCh38, 1-based): chr2:1,496,693-1,496,711, TATGAGCTCCAAGGCCGGG deleted; deleting any 19 consecutive bases within chr2:1,496,689-1,496,711 gives the same sequence; the c. name uses the placement nearest the transcript's 3' end. VCF-style (leftmost placement, unchanged base first): chr2-1496688-ACGGGTATGAGCTCCAAGGC-A. GRCh37 (hg19) VCF-style: chr2-1500460-ACGGGTATGAGCTCCAAGGC-A.
Other names: c.2314_2332del, p.Tyr772fs (NM_000547.6, NM_175721.3); c.2143_2161del, p.Tyr715fs (NM_001206745.2, NM_175719.4); c.1795_1813del, p.Tyr599fs (NM_175722.3); c.2314_2332del (NM_000547.5); short protein forms Y772fs, Y599fs, Y715fs.
Identifiers: ClinVar variation 3584393 (VCV003584393.3).
Genomic context (GRCh38, chr2:1,496,688, plus strand): 5'-ATGGGGACTTTGTGCACTGTGAGGAGTCTGGGAGGCGCGTGCTGGTGTATTCCTGCCGGC[ACGGGTATGAGCTCCAAGGC>A]CGGGAGCAGCTCACTTGCACCCAGGAAGGATGGGATTTCCAGCCTCCCCTCTGCAAAGGT-3'